The following is an entry in ClinVar:

NM_001048174.2(MUTYH):c.115+1G>A

Gene: MUTYH (mutY DNA glycosylase; minus strand). Cytogenetic location: 1p34.1.
Variant type: single nucleotide variant.
Coding change: c.115+1G>A on transcript NM_001048174.2 (MANE Select); the canonical splice donor site of the intron after coding-DNA position 115, G replaced by A.
Molecular consequence: splice donor variant.
Genome position (GRCh38, 1-based): chr1:45,334,390, C>T on the plus strand (G>A on the coding strand, the complement: MUTYH is on the minus strand). VCF-style: chr1-45334390-C-T. GRCh37 (hg19) VCF-style: chr1-45800062-C-T.
Other names: c.115+1G>A (NM_001407072.1, NM_001048171.2, NM_001407070.1 and 15 more transcripts); c.-93+1G>A (NM_001350651.2, NM_001407082.1); c.-98+1G>A (NM_001293192.2, NM_001293196.2, NM_001407091.1); c.-157+1G>A (NM_001350650.2); c.157+1G>A (NM_001407073.1, NM_001293190.2, NM_001407069.1 and 2 more transcripts); c.-42+1G>A (NM_001407075.1); c.133+1G>A (NM_001407087.1).
Identifiers: ClinVar variation 942157 (VCV000942157.12), dbSNP rs1330675110, ClinGen allele CA340136918.

ClinVar aggregate classification (germline): Likely pathogenic. Review status: criteria provided, multiple submitters, no conflicts (2 of 4 stars). 3 submissions from 3 submitters: Likely pathogenic (3). Last evaluated 2026-08-17.

Conditions:
Hereditary cancer-predisposing syndrome. Also called: Neoplastic Syndromes, Hereditary; Hereditary Cancer Syndrome; Tumor predisposition; Hereditary neoplastic syndrome. Identifiers: Orphanet 140162, MedGen C0027672, MeSH D009386, MONDO:0015356.
Familial adenomatous polyposis 2. Also called: FAP type 2; MUTYH-associated polyposis; MUTYH-related attenuated familial adenomatous polyposis; COLORECTAL ADENOMATOUS POLYPOSIS, AUTOSOMAL RECESSIVE; ADENOMAS, MULTIPLE COLORECTAL, AUTOSOMAL RECESSIVE; Adenomas, multiple colorectal. Identifiers: Orphanet 220460, Orphanet 247798, MedGen C3272841, MONDO:0012041, OMIM 608456.

Allele frequency attached by ClinVar (database versions not stated): gnomAD 0.00001.

Submissions (3):

Ambry Genetics
Classification: Likely pathogenic for Hereditary cancer-predisposing syndrome. Last evaluated: 2026-08-17. Review status: criteria provided, single submitter. Criteria: Ambry Variant Classification Scheme 2023. Collection method: clinical testing. Allele origin: germline.
Comment: The c.157+1G>A intronic variant results from a G to A substitution one nucleotide after coding exon 2 of the MUTYH gene. In silico splice site analysis predicts that this alteration will weaken the native splice donor site and may result in the creation or strengthening of a novel splice donor site. RNA studies have demonstrated that this variant results in abnormal splicing in the set of samples tested (Ambry internal data). The stop codon in the resulting transcript occurs in the 5' end ofthe MUTYH gene. As such, this alteration may escape nonsense-mediated mRNAdecay and/or be prone to rescue by reinitiation (Rivas et al. Science. 2015 May 8;348(6235):666-9; Lindeboom et al. Nat Genet. 2016 Oct;48(10):1112-8; Rhee et al. Sci Rep. 2017 May 10;7(1):1653). The exact functional effect of this alteration is unknown; however, the region predicted to be impacted is critical for protein function and a significant portion of the protein is affected (Ambry internal data). This variant is considered to be rare based on population cohorts in the Genome Aggregation Database (gnomAD). This nucleotide position is highly conserved in available vertebrate species. Based on the majority of available evidence to date, this variant is likely to be pathogenic.

Labcorp Genetics (formerly Invitae), Labcorp
Classification: Likely pathogenic for Familial adenomatous polyposis 2. Last evaluated: 2023-09-25. Review status: criteria provided, single submitter. Criteria: Invitae Variant Classification Sherloc (09022015). Collection method: clinical testing. Allele origin: germline.
Comment: In summary, the currently available evidence indicates that the variant is pathogenic, but additional data are needed to prove that conclusively. Therefore, this variant has been classified as Likely Pathogenic. Algorithms developed to predict the effect of sequence changes on RNA splicing suggest that this variant may disrupt the consensus splice site. ClinVar contains an entry for this variant (Variation ID: 942157). This variant has not been reported in the literature in individuals affected with MUTYH-related conditions. This variant is present in population databases (no rsID available, gnomAD 0.06%). This sequence change affects a donor splice site in intron 2 of the MUTYH gene. It is expected to disrupt RNA splicing. Variants that disrupt the donor or acceptor splice site typically lead to a loss of protein function (PMID: 16199547), and loss-of-function variants in MUTYH are known to be pathogenic (PMID: 18534194, 20663686).

Baylor Genetics
Classification: Likely pathogenic for Familial adenomatous polyposis 2. Last evaluated: 2021-07-29. Review status: criteria provided, single submitter. Criteria: ACMG Guidelines, 2015. Collection method: clinical testing. Allele origin: unknown.

Literature cited by the submitters: PubMed 16199547 (cited by Labcorp Genetics (formerly Invitae), Labcorp); PubMed 18534194 (cited by Labcorp Genetics (formerly Invitae), Labcorp); PubMed 20663686 (cited by Labcorp Genetics (formerly Invitae), Labcorp).